The following is an entry in ClinVar:

NM_001347721.2(DYRK1A):c.187C>T (p.Gln63Ter)

Gene: DYRK1A (dual specificity tyrosine phosphorylation regulated kinase 1A; plus strand). Cytogenetic location: 21q22.13.
Variant type: single nucleotide variant.
Coding change: c.187C>T on transcript NM_001347721.2 (MANE Select); coding-DNA position 187, C replaced by T.
Protein change: p.Gln63Ter; replaces glutamine 63 with a stop codon.
Molecular consequence: nonsense.
Genome position (GRCh38, 1-based): chr21:37,472,860, C>T. VCF-style: chr21-37472860-C-T. GRCh37 (hg19) VCF-style: chr21-38845162-C-T.
Other names: c.187C>T, p.Gln63Ter (NM_001347722.2, NM_001396.5, NM_101395.2 and 2 more transcripts); c.100C>T, p.Gln34Ter (NM_001347723.2); short protein forms Q63*, Q34*.
Identifiers: ClinVar variation 452388 (VCV000452388.3), dbSNP rs373178770, ClinGen allele CA409942688.

ClinVar aggregate classification (germline): Pathogenic. Review status: criteria provided, multiple submitters, no conflicts (2 of 4 stars). 2 submissions from 2 submitters: Pathogenic (2). Last evaluated 2022-05-22.

Conditions:
DYRK1A-related intellectual disability syndrome (MRD7). Also called: Intellectual developmental disorder, autosomal dominant 7; DYRK1A Syndrome. Identifiers: Orphanet 464306, MedGen C5568143, MONDO:0013578, OMIM 614104.

Submissions (2):

3billion
Classification: Pathogenic for DYRK1A-related intellectual disability syndrome. Last evaluated: 2022-05-22. Review status: criteria provided, single submitter. Criteria: ACMG Guidelines, 2015. Collection method: clinical testing. Allele origin: germline. Affected: yes. Observed: 1 heterozygote.
Comment: The variant is not observed in the gnomAD v2.1.1 dataset. Stop-gained (nonsense): predicted to result in a loss or disruption of normal protein function through nonsense-mediated decay (NMD) or protein truncation. Multiple pathogenic variants are reported downstream of the variant. The variant has been reported to be associated with DYRK1A- related disorder (ClinVar ID: VCV000452388). Therefore, this variant is classified as pathogenic according to the recommendation of ACMG/AMP guideline.

GeneDx
Classification: Pathogenic. Last evaluated: 2017-10-02. Review status: criteria provided, single submitter. Criteria: GeneDx Variant Classification (06012015). Collection method: clinical testing. Allele origin: germline. Affected: yes.
Comment: The Q63X variant in the DYRK1A gene has not been reported previously as a pathogenic variant nor as a benign variant, to our knowledge. This variant is predicted to cause loss of normal protein function either through protein truncation or nonsense-mediated mRNA decay. The Q63X variant is not observed in large population cohorts (Lek et al., 2016).